The following is an entry in ClinVar:

NM_001365536.1(SCN9A):c.1119T>C (p.Ala373=)

Genes: SCN9A (sodium voltage-gated channel alpha subunit 9; minus strand), SCN1A-AS1 (SCN1A and SCN9A antisense RNA 1; plus strand). Cytogenetic location: 2q24.3.
Variant type: single nucleotide variant.
Coding change: c.1119T>C on transcript NM_001365536.1 (MANE Select); coding-DNA position 1119, T replaced by C.
Protein change: p.Ala373=; no amino-acid change (alanine 373 retained).
Molecular consequence: synonymous variant.
Genome position (GRCh38, 1-based): chr2:166,288,632, A>G on the plus strand (T>C on the coding strand, the complement: SCN9A is on the minus strand). VCF-style: chr2-166288632-A-G. GRCh37 (hg19) VCF-style: chr2-167145142-A-G.
Other names: p.Ala373=; c.1119T>C, p.Ala373= (NM_002977.4).
Identifiers: ClinVar variation 130254 (VCV000130254.30), dbSNP rs13414203, ClinGen allele CA155101.

ClinVar aggregate classification (germline): Benign/Likely benign. Review status: criteria provided, multiple submitters, no conflicts (2 of 4 stars). 14 submissions from 12 submitters: Benign (11); Likely benign (1). 2 of the submissions do not count toward it. Last evaluated 2026-02-04.

Conditions:
Neuropathy, hereditary sensory and autonomic, type 2A (HSAN2A). Also called: WNK1-Related HSAN2 (HSAN2A); HSAN IIA; MORVAN DISEASE; NEUROPATHY, CONGENITAL SENSORY; NEUROPATHY, HEREDITARY SENSORY RADICULAR, AUTOSOMAL RECESSIVE; NEUROPATHY, HEREDITARY SENSORY, TYPE IIA. Identifiers: Orphanet 970, MedGen C2752089, MONDO:0024309, OMIM 201300.
Generalized epilepsy with febrile seizures plus, type 7 (GEFSP7). Also called: GEFS+, TYPE 7. Identifiers: Orphanet 36387, MedGen C2751778, MONDO:0013470, OMIM 613863.
Paroxysmal extreme pain disorder (PEXPD). Also called: SCN9A Paroxysmal Extreme Pain Disorder (SCN9A-PEPD); PAIN, SUBMANDIBULAR, OCULAR, AND RECTAL, WITH FLUSHING; RECTAL PAIN, FAMILIAL. Identifiers: Orphanet 46348, MedGen C1833661, MONDO:0008179, OMIM 167400.
Channelopathy-associated congenital insensitivity to pain, autosomal recessive. Also called: Insensitivity to pain, channelopathy-associated; ASYMBOLIA FOR PAIN; CONGENITAL ANALGESIA, AUTOSOMAL RECESSIVE. Identifiers: Orphanet 88642, Orphanet 970, MedGen C1855739, MONDO:0009459, OMIM 243000.
Primary erythromelalgia. Also called: SCN9A Erythromelalgia (SCN9A-EM); primary erythermalgia. Identifiers: Orphanet 306577, Orphanet 90026, MedGen C0014805, MONDO:0007571, OMIM 133020.

Allele frequency attached by ClinVar (database versions not stated): 1000 Genomes Project 30x 0.34916; 1000 Genomes Project 0.35443; gnomAD exomes 0.36673 and 0.38634; TOPMed 0.37183; ExAC 0.37400; gnomAD 0.38227 and 0.38341; ESP Exome Variant Server 0.38516.
gnomAD v4.1: 612,460 of 1,588,578 alleles (39%); highest among the groups gnomAD compares: Non-Finnish European, 40%; 119,439 homozygotes.

Submissions (14):

Labcorp Genetics (formerly Invitae), Labcorp
Classification: Benign for Neuropathy, hereditary sensory and autonomic, type 2A; Generalized epilepsy with febrile seizures plus, type 7. Last evaluated: 2026-02-04. Review status: criteria provided, single submitter. Criteria: Invitae Variant Classification Sherloc (09022015). Collection method: clinical testing. Allele origin: germline.

Blueprint Genetics
Classification: Likely benign. Last evaluated: 2024-11-26. Review status: criteria provided, single submitter. Criteria: ACMG Guidelines, 2015. Collection method: clinical testing. Allele origin: germline.

Unidad de Genómica Garrahan, Hospital de Pediatría Garrahan
Classification: Benign. Last evaluated: 2024-07-15. Review status: criteria provided, single submitter. Criteria: ACMG Guidelines, 2015. Collection method: clinical testing. Allele origin: germline. Affected: no. Observed: 41 variant alleles.
Comment: This variant is classified as Benign based on local population frequency. This variant was detected in 44% of patients studied in a panel designed for Epileptic and Developmental Encephalopathy and Progressive Myoclonus Epilepsy. Number of patients: 41. Only high quality variants are reported.

Athena Diagnostics
Classification: Benign. Last evaluated: 2018-05-07. Review status: criteria provided, single submitter. Criteria: Athena Diagnostics Criteria. Collection method: clinical testing. Allele origin: germline.

Illumina Laboratory Services, Illumina
Classification: Benign for Paroxysmal extreme pain disorder. Last evaluated: 2018-01-13. Review status: criteria provided, single submitter. Criteria: ICSL Variant Classification Criteria 13 December 2019. Collection method: clinical testing. Allele origin: germline.
Comment: This variant was observed in the ICSL laboratory as part of a predisposition screen in an ostensibly healthy population. It had not been previously curated by ICSL or reported in the Human Gene Mutation Database (HGMD: prior to June 1st, 2018), and was therefore a candidate for classification through an automated scoring system. Utilizing variant allele frequency, disease prevalence and penetrance estimates, and inheritance mode, an automated score was calculated to assess if this variant is too frequent to cause the disease. Based on the score and internal cut-off values, a variant classified as benign is not then subjected to further curation. The score for this variant resulted in a classification of benign for this disease.

Illumina Laboratory Services, Illumina
Classification: Benign for Channelopathy-associated congenital insensitivity to pain, autosomal recessive. Last evaluated: 2018-01-13. Review status: criteria provided, single submitter. Criteria: ICSL Variant Classification Criteria 13 December 2019. Collection method: clinical testing. Allele origin: germline.
Comment: the same text as in the submission from Illumina Laboratory Services, Illumina above.

Illumina Laboratory Services, Illumina
Classification: Benign for Primary erythromelalgia. Last evaluated: 2018-01-13. Review status: criteria provided, single submitter. Criteria: ICSL Variant Classification Criteria 13 December 2019. Collection method: clinical testing. Allele origin: germline.
Comment: the same text as in the submission from Illumina Laboratory Services, Illumina above.

Mayo Clinic Laboratories, Mayo Clinic
Classification: Benign. Last evaluated: 2015-09-01. Review status: criteria provided, single submitter. Criteria: ACMG Guidelines, 2015. Collection method: clinical testing. Allele origin: germline. Observed: 1,217 variant alleles.

GeneDx
Classification: Benign. Last evaluated: 2015-03-03. Review status: criteria provided, single submitter. Criteria: GeneDx Variant Classification Process June 2021. Collection method: clinical testing. Allele origin: germline. Affected: yes.

Eurofins Ntd Llc (ga)
Classification: Benign. Last evaluated: 2015-02-24. Review status: criteria provided, single submitter. Criteria: EGL Classification Definitions 2015. Collection method: clinical testing. Allele origin: germline. Observed: 1 variant allele, 1 homozygote.

Breakthrough Genomics
Classification: Benign. Review status: criteria provided, single submitter. Criteria: ACMG Guidelines, 2015. Collection method: not provided. Allele origin: germline. Inheritance: Autosomal recessive inheritance. Affected: yes.

PreventionGenetics, part of Exact Sciences
Classification: Benign. Review status: criteria provided, single submitter. Criteria: ACMG Guidelines, 2015. Collection method: clinical testing. Allele origin: germline.

Diagnostic Laboratory, Department of Genetics, University Medical Center Groningen
Classification: Benign. Review status: no assertion criteria provided. Collection method: clinical testing. Allele origin: germline. Affected: yes. Study: VKGL Data-share Consensus. Not counted in ClinVar's aggregate classification.

Genetic Services Laboratory, University of Chicago
Classification: Likely benign for AllHighlyPenetrant. Review status: no assertion criteria provided. Collection method: clinical testing. Allele origin: germline. Inheritance: Autosomal dominant inheritance. Not counted in ClinVar's aggregate classification.
Comment: Likely benign based on allele frequency in 1000 Genomes Project or ESP global frequency and its presence in a patient with a rare or unrelated disease phenotype. NOT Sanger confirmed.